The following is an entry in ClinVar:

ClinVar aggregate classification (germline): Uncertain significance. Review status: criteria provided, multiple submitters, no conflicts (2 of 4 stars). 2 submissions from 2 submitters: Uncertain significance (2). Last evaluated 2022-12-20.

Conditions:
Neuronopathy, distal hereditary motor, type 5A (HMND5). Also called: Distal Spinal Muscular Atrophy V; DHMN VA; Distal Spinal Muscular Atrophy V (dSMA-V); NEURONOPATHY, DISTAL HEREDITARY MOTOR, AUTOSOMAL DOMINANT 5. Identifiers: Orphanet 139536, MedGen CN031873, MONDO:0015353, OMIM 600794.
Charcot-Marie-Tooth disease type 2. Also called: Charcot-Marie-Tooth type 2. Identifiers: Orphanet 64746, MedGen C0270914, MONDO:0018993.

Submissions (2):

Baylor Genetics
Classification: Uncertain significance for Neuronopathy, distal hereditary motor, type 5A. Last evaluated: 2022-12-20. Review status: criteria provided, single submitter. Criteria: ACMG Guidelines, 2015. Collection method: clinical testing. Allele origin: unknown.

Labcorp Genetics (formerly Invitae), Labcorp
Classification: Uncertain significance for Charcot-Marie-Tooth disease type 2. Last evaluated: 2022-06-02. Review status: criteria provided, single submitter. Criteria: Invitae Variant Classification Sherloc (09022015). Collection method: clinical testing. Allele origin: germline.
Comment: In summary, the available evidence is currently insufficient to determine the role of this variant in disease. Therefore, it has been classified as a Variant of Uncertain Significance. Algorithms developed to predict the effect of missense changes on protein structure and function are either unavailable or do not agree on the potential impact of this missense change (SIFT: "Tolerated"; PolyPhen-2: "Probably Damaging"; Align-GVGD: "Class C0"). This variant has not been reported in the literature in individuals affected with GARS-related conditions. This variant is not present in population databases (gnomAD no frequency). This sequence change replaces aspartic acid, which is acidic and polar, with asparagine, which is neutral and polar, at codon 126 of the GARS protein (p.Asp126Asn).

NM_002047.4(GARS1):c.376G>A (p.Asp126Asn)

Gene: GARS1 (glycyl-tRNA synthetase 1; plus strand). Cytogenetic location: 7p14.3.
Variant type: single nucleotide variant.
Coding change: c.376G>A on transcript NM_002047.4 (MANE Select); coding-DNA position 376, G replaced by A.
Protein change: p.Asp126Asn; replaces aspartic acid 126 with asparagine.
Molecular consequence: missense variant.
Genome position (GRCh38, 1-based): chr7:30,599,998, G>A. VCF-style: chr7-30599998-G-A. GRCh37 (hg19) VCF-style: chr7-30639614-G-A.
Other names: c.214G>A, p.Asp72Asn (NM_001316772.1); short protein forms D126N, D72N.
Identifiers: ClinVar variation 1994910 (VCV001994910.5), dbSNP rs2534288629, ClinGen allele CA367139185.